The following is an entry in ClinVar:

NM_004036.5(ADCY3):c.1064C>T (p.Ala355Val)

Gene: ADCY3 (adenylate cyclase 3; minus strand). Cytogenetic location: 2p23.3.
Variant type: single nucleotide variant.
Coding change: c.1064C>T on transcript NM_004036.5 (MANE Select); coding-DNA position 1064, C replaced by T.
Protein change: p.Ala355Val; replaces alanine 355 with valine.
Molecular consequence: missense variant.
Genome position (GRCh38, 1-based): chr2:24,841,560, G>A on the plus strand (C>T on the coding strand, the complement: ADCY3 is on the minus strand). VCF-style: chr2-24841560-G-A. GRCh37 (hg19) VCF-style: chr2-25064429-G-A.
Other names: c.1064C>T, p.Ala355Val (NM_001320613.2, NM_001377128.1, NM_001377129.1 and 2 more transcripts); c.341C>T, p.Ala114Val (NM_001377131.1); short protein forms A114V, A355V.
Identifiers: ClinVar variation 3346943 (VCV003346943.1).

ClinVar aggregate classification (germline): Uncertain significance (0 of 4 stars; one submission).

Conditions:
ADCY3-related disorder. Also called: ADCY3-related condition.

Submission:

PreventionGenetics, part of Exact Sciences
Classification: Uncertain significance for ADCY3-related condition. Last evaluated: 2024-06-03. Review status: no assertion criteria provided. Collection method: clinical testing. Allele origin: germline.
Comment: The ADCY3 c.1064C>T variant is predicted to result in the amino acid substitution p.Ala355Val. To our knowledge, this variant has not been reported in the literature or in a large population database, indicating this variant is rare. At this time, the clinical significance of this variant is uncertain due to the absence of conclusive functional and genetic evidence.